The following is an entry in ClinVar:

NM_001040108.2(MLH3):c.2266A>C (p.Lys756Gln)

Gene: MLH3 (mutL homolog 3; minus strand). Cytogenetic location: 14q24.3.
Variant type: single nucleotide variant.
Coding change: c.2266A>C on transcript NM_001040108.2 (MANE Select); coding-DNA position 2266, A replaced by C.
Protein change: p.Lys756Gln; replaces lysine 756 with glutamine.
Molecular consequence: missense variant.
Genome position (GRCh38, 1-based): chr14:75,047,390, T>G on the plus strand (A>C on the coding strand, the complement: MLH3 is on the minus strand). VCF-style: chr14-75047390-T-G. GRCh37 (hg19) VCF-style: chr14-75514093-T-G.
Other names: c.2266A>C, p.Lys756Gln (NM_014381.3); short protein forms K756Q.
Identifiers: ClinVar variation 1788703 (VCV001788703.6), dbSNP rs2503274316, ClinGen allele CA390441083.

ClinVar aggregate classification (germline): Uncertain significance. Review status: criteria provided, multiple submitters, no conflicts (2 of 4 stars). 2 submissions from 2 submitters: Uncertain significance (2). Last evaluated 2025-05-03.

Conditions:
Colorectal cancer, hereditary nonpolyposis, type 7. Identifiers: Orphanet 144, MedGen C1858380, MONDO:0013725, OMIM 614385.

Submissions (2):

Ambry Genetics
Classification: Uncertain significance. Last evaluated: 2025-05-03. Review status: criteria provided, single submitter. Criteria: Ambry Variant Classification Scheme 2023. Collection method: clinical testing. Allele origin: germline.
Comment: The p.K756Q variant (also known as c.2266A>C), located in coding exon 1 of the MLH3 gene, results from an A to C substitution at nucleotide position 2266. The lysine at codon 756 is replaced by glutamine, an amino acid with similar properties. This amino acid position is conserved. In addition, this alteration is predicted to be tolerated by in silico analysis. Since supporting evidence is limited at this time, the clinical significance of this alteration remains unclear.

Labcorp Genetics (formerly Invitae), Labcorp
Classification: Uncertain significance for Colorectal cancer, hereditary nonpolyposis, type 7. Last evaluated: 2024-01-10. Review status: criteria provided, single submitter. Criteria: Invitae Variant Classification Sherloc (09022015). Collection method: clinical testing. Allele origin: germline.
Comment: This sequence change replaces lysine, which is basic and polar, with glutamine, which is neutral and polar, at codon 756 of the MLH3 protein (p.Lys756Gln). This variant is not present in population databases (gnomAD no frequency). This variant has not been reported in the literature in individuals affected with MLH3-related conditions. ClinVar contains an entry for this variant (Variation ID: 1788703). An algorithm developed to predict the effect of missense changes on protein structure and function (PolyPhen-2) suggests that this variant is likely to be disruptive. In summary, the available evidence is currently insufficient to determine the role of this variant in disease. Therefore, it has been classified as a Variant of Uncertain Significance.